The following is an entry in ClinVar:

ClinVar aggregate classification (germline): Likely benign. Review status: criteria provided, multiple submitters, no conflicts (2 of 4 stars). 3 submissions from 3 submitters: Likely benign (3). Last evaluated 2025-06-12.

Conditions:
Bardet-Biedl syndrome (BBS). Identifiers: Orphanet 110, MedGen C0752166, MONDO:0015229.

Allele frequency attached by ClinVar (database versions not stated): gnomAD exomes below 0.00001; TOPMed 0.00001; gnomAD 0.00003; ExAC 0.00004; 1000 Genomes Project 30x 0.00016.
gnomAD v4.1: 15 of 1,613,404 alleles (0.00093%); highest among the groups gnomAD compares: Middle Eastern, 0.033%; no homozygotes.

Submissions (3):

Labcorp Genetics (formerly Invitae), Labcorp
Classification: Likely benign for Bardet-Biedl syndrome. Last evaluated: 2025-06-12. Review status: criteria provided, single submitter. Criteria: Invitae Variant Classification Sherloc (09022015). Collection method: clinical testing. Allele origin: germline.

CeGaT Center for Human Genetics Tuebingen
Classification: Likely benign. Last evaluated: 2025-05-01. Review status: criteria provided, single submitter. Criteria: CeGaT Center For Human Genetics Tuebingen Variant Classification Criteria Version 2. Collection method: clinical testing. Allele origin: germline. Affected: yes. Observed: 1 variant allele.
Comment: BBS5: BP4, BP7

Blueprint Genetics
Classification: Likely benign. Last evaluated: 2024-08-08. Review status: criteria provided, single submitter. Criteria: ACMG Guidelines, 2015. Collection method: clinical testing. Allele origin: germline.

NM_152384.3(BBS5):c.999A>G (p.Leu333=)

Gene: BBS5 (Bardet-Biedl syndrome 5; plus strand). Cytogenetic location: 2q31.1.
Variant type: single nucleotide variant.
Coding change: c.999A>G on transcript NM_152384.3 (MANE Select); coding-DNA position 999, A replaced by G.
Protein change: p.Leu333=; no amino-acid change (leucine 333 retained).
Molecular consequence: synonymous variant.
Genome position (GRCh38, 1-based): chr2:169,504,555, A>G. VCF-style: chr2-169504555-A-G. GRCh37 (hg19) VCF-style: chr2-170361065-A-G.
Identifiers: ClinVar variation 2725931 (VCV002725931.14), dbSNP rs779519886, ClinGen allele CA1956406.
Genomic context (GRCh38, chr2:169,504,555, plus strand): 5'-ACCTGTATTTTCAGAAGAACTGGGGCTTGCAATAGAGAAATTGAAGGATGGATTCACCCT[A>G]CAGGGACTTTGGGAAGTAATGAGTTGATTGACCTTGAGTTGAGATGGATTTCTATTAAAG-3'
Protein context (NP_689597.1, residues 323-341): AIEKLKDGFT[Leu333=]QGLWEVMS